The following is an entry in ClinVar:

NM_024675.4(PALB2):c.2877A>T (p.Val959=)

Gene: PALB2 (partner and localizer of BRCA2; minus strand). Cytogenetic location: 16p12.2.
Variant type: single nucleotide variant.
Coding change: c.2877A>T on transcript NM_024675.4 (MANE Select); coding-DNA position 2877, A replaced by T.
Protein change: p.Val959=; no amino-acid change (valine 959 retained).
Molecular consequence: synonymous variant.
Genome position (GRCh38, 1-based): chr16:23,623,088, T>A on the plus strand (A>T on the coding strand, the complement: PALB2 is on the minus strand). VCF-style: chr16-23623088-T-A. GRCh37 (hg19) VCF-style: chr16-23634409-T-A.
Identifiers: ClinVar variation 415986 (VCV000415986.14), dbSNP rs1060504710, ClinGen allele CA16615220.

ClinVar aggregate classification (germline): Benign/Likely benign. Review status: criteria provided, multiple submitters, no conflicts (2 of 4 stars). 4 submissions from 4 submitters: Benign (1); Likely benign (3). Last evaluated 2025-01-21.

Conditions:
Familial cancer of breast. Also called: Hereditary breast cancer; BREAST CANCER, FAMILIAL; hereditary breast carcinoma. Identifiers: Orphanet 227535, MedGen C0346153, MONDO:0016419, OMIM 114480. Disease mechanism: loss of function.
Hereditary cancer-predisposing syndrome. Also called: Tumor predisposition; Neoplastic Syndromes, Hereditary; Hereditary neoplastic syndrome; Hereditary Cancer Syndrome. Identifiers: Orphanet 140162, MedGen C0027672, MeSH D009386, MONDO:0015356.

Submissions (4):

Myriad Genetics, Inc.
Classification: Benign for Familial cancer of breast. Last evaluated: 2025-01-21. Review status: criteria provided, single submitter. Criteria: Myriad Autosomal Dominant, Autosomal Recessive and X-Linked Classification Criteria (2023). Collection method: clinical testing. Allele origin: unknown.
Comment: This variant is considered benign. This variant is a silent/synonymous amino acid change and it is not expected to impact splicing.

Ambry Genetics
Classification: Likely benign for Hereditary cancer-predisposing syndrome. Last evaluated: 2022-02-26. Review status: criteria provided, single submitter. Criteria: Ambry Variant Classification Scheme 2023. Collection method: clinical testing. Allele origin: germline.

GeneDx
Classification: Likely benign. Last evaluated: 2017-08-29. Review status: criteria provided, single submitter. Criteria: GeneDx Variant Classification (06012015). Collection method: clinical testing. Allele origin: germline. Affected: yes.
Comment: This variant is considered likely benign or benign based on one or more of the following criteria: it is a conservative change, it occurs at a poorly conserved position in the protein, it is predicted to be benign by multiple in silico algorithms, and/or has population frequency not consistent with disease.

Labcorp Genetics (formerly Invitae), Labcorp
Classification: Likely benign for Familial cancer of breast. Last evaluated: 2016-06-15. Review status: criteria provided, single submitter. Criteria: Invitae Variant Classification Sherloc (09022015). Collection method: clinical testing. Allele origin: germline.